The following is an entry in ClinVar:

ClinVar aggregate classification (germline): Uncertain significance. Review status: criteria provided, multiple submitters, no conflicts (2 of 4 stars). 5 submissions from 5 submitters: Uncertain significance (4). 1 of the submissions does not count toward it. Last evaluated 2025-08-30.

Conditions:
FLNC-related disorder. Also called: FLNC-related condition; FLNC-related disorders.
Myofibrillar myopathy 5. Also called: Filaminopathy (type); FILAMINOPATHY, AUTOSOMAL DOMINANT. Identifiers: Orphanet 171445, MedGen C1836050, MONDO:0012289, OMIM 609524.
Distal myopathy with posterior leg and anterior hand involvement. Also called: WILLIAMS DISTAL MYOPATHY. Identifiers: Orphanet 63273, MedGen C3279722, MONDO:0013550, OMIM 614065.
Hypertrophic cardiomyopathy 26. Also called: Cardiomyopathy, familial hypertrophic, 26. Identifiers: Orphanet 75249, MedGen C4310749, MONDO:0014883, OMIM 617047.
Cardiovascular phenotype. Identifiers: MedGen CN230736.

Allele frequency attached by ClinVar (database versions not stated): gnomAD 0.00004; ESP Exome Variant Server 0.00008; gnomAD exomes 0.00001 and 0.00002; ExAC 0.00002; TOPMed 0.00003.
gnomAD v4.1: 37 of 1,613,154 alleles (0.0023%); highest among the groups gnomAD compares: South Asian, 0.0033%; no homozygotes.

Submissions (5):

Labcorp Genetics (formerly Invitae), Labcorp
Classification: Uncertain significance for Distal myopathy with posterior leg and anterior hand involvement; Myofibrillar myopathy 5; Hypertrophic cardiomyopathy 26. Last evaluated: 2025-08-30. Review status: criteria provided, single submitter. Criteria: Invitae Variant Classification Sherloc (09022015). Collection method: clinical testing. Allele origin: germline.
Comment: This sequence change replaces arginine, which is basic and polar, with histidine, which is basic and polar, at codon 1982 of the FLNC protein (p.Arg1982His). The frequency data for this variant in the population databases is considered unreliable, as metrics indicate poor data quality at this position in the gnomAD database. This missense change has been observed in individual(s) with hypertrophic cardiomyopathy (PMID: 38002985). ClinVar contains an entry for this variant (Variation ID: 864369). Invitae Evidence Modeling of protein sequence and biophysical properties (such as structural, functional, and spatial information, amino acid conservation, physicochemical variation, residue mobility, and thermodynamic stability) has been performed for this missense variant. However, the output from this modeling did not meet the statistical confidence thresholds required to predict the impact of this variant on FLNC protein function. In summary, the available evidence is currently insufficient to determine the role of this variant in disease. Therefore, it has been classified as a Variant of Uncertain Significance.

Ambry Genetics
Classification: Uncertain significance for Cardiovascular phenotype. Last evaluated: 2025-05-03. Review status: criteria provided, single submitter. Criteria: Ambry Variant Classification Scheme 2023. Collection method: clinical testing. Allele origin: germline.
Comment: The p.R1982H variant (also known as c.5945G>A), located in coding exon 36 of the FLNC gene, results from a G to A substitution at nucleotide position 5945. The arginine at codon 1982 is replaced by histidine, an amino acid with highly similar properties. This amino acid position is conserved. In addition, this alteration is predicted to be tolerated by in silico analysis. Based on the available evidence, the clinical significance of this variant remains unclear.

Blueprint Genetics
Classification: Uncertain significance. Last evaluated: 2023-10-27. Review status: criteria provided, single submitter. Criteria: ACMG Guidelines, 2015. Collection method: clinical testing. Allele origin: germline.

CeGaT Center for Human Genetics Tuebingen
Classification: Uncertain significance. Last evaluated: 2023-08-01. Review status: criteria provided, single submitter. Criteria: CeGaT Center For Human Genetics Tuebingen Variant Classification Criteria Version 2. Collection method: clinical testing. Allele origin: germline. Affected: yes. Observed: 1 variant allele.

PreventionGenetics, part of Exact Sciences
Classification: Uncertain significance for FLNC-related condition. Last evaluated: 2023-12-20. Review status: no assertion criteria provided. Collection method: clinical testing. Allele origin: germline. Not counted in ClinVar's aggregate classification.
Comment: The FLNC c.5945G>A variant is predicted to result in the amino acid substitution p.Arg1982His. This variant was reported in an individual with hypertrophic cardiomyopathy (Table S1, Chumakova et al. 2023. PubMed ID: 38002985). This variant is reported in 0.0016% of alleles in individuals of European (Non-Finnish) descent in gnomAD. At this time, the clinical significance of this variant is uncertain due to the absence of conclusive functional and genetic evidence.

Literature cited by the submitters: PubMed 38002985 (cited by Labcorp Genetics (formerly Invitae), Labcorp).

NM_001458.5(FLNC):c.5945G>A (p.Arg1982His)

Genes: FLNC (filamin C; plus strand), FLNC-AS1 (FLNC antisense RNA 1; minus strand). Cytogenetic location: 7q32.1.
Variant type: single nucleotide variant.
Coding change: c.5945G>A on transcript NM_001458.5 (MANE Select); coding-DNA position 5945, G replaced by A.
Protein change: p.Arg1982His; replaces arginine 1982 with histidine.
Molecular consequence: missense variant.
Genome position (GRCh38, 1-based): chr7:128,852,693, G>A. VCF-style: chr7-128852693-G-A. GRCh37 (hg19) VCF-style: chr7-128492747-G-A.
Other names: c.5846G>A, p.Arg1949His (NM_001127487.2); short protein forms R1949H, R1982H.
Identifiers: ClinVar variation 864369 (VCV000864369.35), dbSNP rs375046429, ClinGen allele CA4475840.
Genomic context (GRCh38, chr7:128,852,693, plus strand): 5'-CCACGGACGTGTCACTGAAGATCACCGAGAGTGATCTGAGCCAGCTGACCGCCAGCATCC[G>A]TGCCCCCTCGGGCAACGAGGAGCCCTGCCTGCTGAAGCGCCTGCCCAACCGGCACATTGG-3'
Protein context (NP_001449.3, residues 1972-1992): SDLSQLTASI[Arg1982His]APSGNEEPCL